The following is an entry in ClinVar:

ClinVar aggregate classification (germline): Uncertain significance (1 of 4 stars; one submission).

Allele frequency attached by ClinVar (database versions not stated): 1000 Genomes Project 30x 0.00031; 1000 Genomes Project 0.00040; ExAC 0.00057; ESP Exome Variant Server 0.00113.
gnomAD v4.1: 2,033 of 1,614,210 alleles (0.13%); highest among the groups gnomAD compares: Non-Finnish European, 0.15%; 4 homozygotes.

Submission:

Labcorp Genetics (formerly Invitae), Labcorp
Classification: Uncertain significance. Last evaluated: 2022-10-19. Review status: criteria provided, single submitter. Criteria: Invitae Variant Classification Sherloc (09022015). Collection method: clinical testing. Allele origin: germline.
Comment: This sequence change replaces arginine, which is basic and polar, with tryptophan, which is neutral and slightly polar, at codon 631 of the LRRK1 protein (p.Arg631Trp). This variant is present in population databases (rs192470343, gnomAD 0.1%), and has an allele count higher than expected for a pathogenic variant. This variant has not been reported in the literature in individuals affected with LRRK1-related conditions. ClinVar contains an entry for this variant (Variation ID: 1515206). Algorithms developed to predict the effect of missense changes on protein structure and function are either unavailable or do not agree on the potential impact of this missense change (SIFT: "Deleterious"; PolyPhen-2: "Probably Damaging"; Align-GVGD: "Class C0"). In summary, the available evidence is currently insufficient to determine the role of this variant in disease. Therefore, it has been classified as a Variant of Uncertain Significance.

NM_024652.6(LRRK1):c.1891C>T (p.Arg631Trp)

Gene: LRRK1 (leucine rich repeat kinase 1; plus strand). Cytogenetic location: 15q26.3.
Variant type: single nucleotide variant.
Coding change: c.1891C>T on transcript NM_024652.6 (MANE Select); coding-DNA position 1891, C replaced by T.
Protein change: p.Arg631Trp; replaces arginine 631 with tryptophan.
Molecular consequence: missense variant.
Genome position (GRCh38, 1-based): chr15:101,022,421, C>T. VCF-style: chr15-101022421-C-T. GRCh37 (hg19) VCF-style: chr15-101562626-C-T.
Other names: short protein forms R631W.
Identifiers: ClinVar variation 1515206 (VCV001515206.3), dbSNP rs192470343, ClinGen allele CA7761064.